The following is an entry in ClinVar:

NM_005120.3(MED12):c.1745-19C>T

Gene: MED12 (mediator complex subunit 12; plus strand). Cytogenetic location: Xq13.1.
Variant type: single nucleotide variant.
Coding change: c.1745-19C>T on transcript NM_005120.3 (MANE Select); 19 bases into the intron before coding-DNA position 1745, C replaced by T.
Molecular consequence: intron variant.
Genome position (GRCh38, 1-based): chrX:71,124,140, C>T. VCF-style: chrX-71124140-C-T. GRCh37 (hg19) VCF-style: chrX-70343990-C-T.
Identifiers: ClinVar variation 391849 (VCV000391849.9), dbSNP rs1057524262, ClinGen allele CA16608558.
Genomic context (GRCh38, chrX:71,124,140, plus strand): 5'-GCCTTAGGTGTGTCCCTCTCTCTTTTGGCCCACCTTTTTGTGTTCTCCTAACTTATGTTT[C>T]CTCATTCCCTTCCTCCAGCGGACCCTCGAAGTGAGAGTGAGCGGGTGGAATTCTTTAACT-3'

ClinVar aggregate classification (germline): Likely benign. Review status: criteria provided, multiple submitters, no conflicts (2 of 4 stars). 2 submissions from 2 submitters: Likely benign (2). Last evaluated 2025-06-01.

Conditions:
FG syndrome (FGS). Identifiers: MedGen C0220769, MONDO:0002010.

Allele frequency attached by ClinVar (database versions not stated): gnomAD exomes 0.00001 and 0.00002.
gnomAD v4.1: 25 of 1,184,319 alleles (0.0021%); highest among the groups gnomAD compares: Non-Finnish European, 0.0029%; no homozygotes.

Submissions (2):

Labcorp Genetics (formerly Invitae), Labcorp
Classification: Likely benign for FG syndrome. Last evaluated: 2025-06-01. Review status: criteria provided, single submitter. Criteria: Invitae Variant Classification Sherloc (09022015). Collection method: clinical testing. Allele origin: germline.

GeneDx
Classification: Likely benign. Last evaluated: 2016-12-13. Review status: criteria provided, single submitter. Criteria: GeneDx Variant Classification (06012015). Collection method: clinical testing. Allele origin: germline. Affected: yes.
Comment: This variant is considered likely benign or benign based on one or more of the following criteria: it is a conservative change, it occurs at a poorly conserved position in the protein, it is predicted to be benign by multiple in silico algorithms, and/or has population frequency not consistent with disease.